The following is an entry in ClinVar:

ClinVar aggregate classification (germline): Conflicting classifications of pathogenicity. Review status: criteria provided, conflicting classifications (1 of 4 stars). 3 submissions from 3 submitters: Uncertain significance (1); Likely benign (2). Last evaluated 2026-01-19.

Conditions:
Nemaline myopathy 2 (NEM2). Also called: Nemaline myopathy 2, autosomal recessive. Identifiers: MedGen C1850569, MONDO:0009725, OMIM 256030.

Allele frequency attached by ClinVar (database versions not stated): gnomAD exomes below 0.00001 and 0.00002.
gnomAD v4.1: 23 of 1,609,612 alleles (0.0014%); highest among the groups gnomAD compares: Non-Finnish European, 0.0018%; no homozygotes.

Submissions (3):

Labcorp Genetics (formerly Invitae), Labcorp
Classification: Likely benign for Nemaline myopathy 2. Last evaluated: 2026-01-19. Review status: criteria provided, single submitter. Criteria: Invitae Variant Classification Sherloc (09022015). Collection method: clinical testing. Allele origin: germline.

Illumina Laboratory Services, Illumina
Classification: Uncertain significance for Nemaline myopathy 2. Last evaluated: 2017-04-27. Review status: criteria provided, single submitter. Criteria: ICSL Variant Classification Criteria 13 December 2019. Collection method: clinical testing. Allele origin: germline.

GeneDx
Classification: Likely benign. Last evaluated: 2016-03-02. Review status: criteria provided, single submitter. Criteria: GeneDx Variant Classification (06012015). Collection method: clinical testing. Allele origin: germline. Affected: yes.
Comment: This variant is considered likely benign or benign based on one or more of the following criteria: it is a conservative change, it occurs at a poorly conserved position in the protein, it is predicted to be benign by multiple in silico algorithms, and/or has population frequency not consistent with disease.

NM_001164508.2(NEB):c.7176T>C (p.Pro2392=)

Gene: NEB (nebulin; minus strand). Cytogenetic location: 2q23.3.
Variant type: single nucleotide variant.
Coding change: c.7176T>C on transcript NM_001164508.2 (MANE Select); coding-DNA position 7176, T replaced by C.
Protein change: p.Pro2392=; no amino-acid change (proline 2392 retained).
Molecular consequence: synonymous variant.
Genome position (GRCh38, 1-based): chr2:151,650,625, A>G on the plus strand (T>C on the coding strand, the complement: NEB is on the minus strand). VCF-style: chr2-151650625-A-G. GRCh37 (hg19) VCF-style: chr2-152507139-A-G.
Other names: c.7176T>C, p.Pro2392= (NM_001271208.2, NM_004543.5, NM_001164507.2).
Identifiers: ClinVar variation 383981 (VCV000383981.12), dbSNP rs1042667385, ClinGen allele CA16603880.
Genomic context (GRCh38, chr2:151,650,625, plus strand): 5'-GAAACTGACCTCACTTTGCAGTTCATAAACTTTCTTAGCTTGCACAACATCGTTCTGATC[A>G]GGCAGACATGTCCACTGATGCAGGTAGTTCTTGTAGTCCACGTCACTAACCAACTCCTGA-3'
Protein context (NP_001157980.2, residues 2382-2402): KNYLHQWTCL[Pro2392=]DQNDVVQAKK